The following is an entry in ClinVar:

ClinVar aggregate classification (germline): Uncertain significance. Review status: criteria provided, multiple submitters, no conflicts (2 of 4 stars). 2 submissions from 2 submitters: Uncertain significance (2). Last evaluated 2025-09-03.

Conditions:
Hereditary cancer-predisposing syndrome. Also called: Tumor predisposition; Hereditary neoplastic syndrome; Hereditary Cancer Syndrome; Neoplastic Syndromes, Hereditary. Identifiers: Orphanet 140162, MedGen C0027672, MeSH D009386, MONDO:0015356.

Submissions (2):

Quest Diagnostics Nichols Institute San Juan Capistrano
Classification: Uncertain significance. Last evaluated: 2025-09-03. Review status: criteria provided, single submitter. Criteria: Quest Diagnostics criteria. Collection method: clinical testing. Allele origin: unknown.
Comment: The PTCH1 c.3497A>T (p.Asn1166Ile) variant has not been reported in individuals with PTCH1-related conditions in the published literature. This variant has not been reported in large, multi-ethnic general populations (Genome Aggregation Database). Analysis of this variant using bioinformatics tools for the prediction of the effect of amino acid changes on protein structure and function yielded predictions that this variant is damaging. Based on the available information, we are unable to determine the clinical significance of this variant.

Ambry Genetics
Classification: Uncertain significance for Hereditary cancer-predisposing syndrome. Last evaluated: 2025-06-08. Review status: criteria provided, single submitter. Criteria: Ambry Variant Classification Scheme 2023. Collection method: clinical testing. Allele origin: germline.
Comment: The p.N1166I variant (also known as c.3497A>T), located in coding exon 21 of the PTCH1 gene, results from an A to T substitution at nucleotide position 3497. The asparagine at codon 1166 is replaced by isoleucine, an amino acid with dissimilar properties. This amino acid position is conserved. In addition, this alteration is predicted to be deleterious by in silico analysis. Based on the available evidence, the clinical significance of this variant remains unclear.

NM_000264.5(PTCH1):c.3497A>T (p.Asn1166Ile)

Gene: PTCH1 (patched 1; minus strand). Cytogenetic location: 9q22.32.
Variant type: single nucleotide variant.
Coding change: c.3497A>T on transcript NM_000264.5 (MANE Select); coding-DNA position 3497, A replaced by T.
Protein change: p.Asn1166Ile; replaces asparagine 1166 with isoleucine.
Molecular consequence: missense variant. On other transcripts: non-coding transcript variant (1).
Genome position (GRCh38, 1-based): chr9:95,449,893, T>A on the plus strand (A>T on the coding strand, the complement: PTCH1 is on the minus strand). VCF-style: chr9-95449893-T-A. GRCh37 (hg19) VCF-style: chr9-98212175-T-A.
Other names: c.3299A>T, p.Asn1100Ile (NM_001083602.3); c.3494A>T, p.Asn1165Ile (NM_001083603.3); c.3044A>T, p.Asn1015Ile (NM_001083604.3, NM_001083605.3, NM_001083606.3 and 1 more transcripts); c.3341A>T, p.Asn1114Ile (NM_001354918.2); c.3497A>T (NM_000264.4); short protein forms N1015I, N1165I, N1166I, N1100I, N1114I.
Identifiers: ClinVar variation 3939907 (VCV003939907.2).